The following is an entry in ClinVar:

ClinVar aggregate classification (germline): Uncertain significance (1 of 4 stars; one submission).

Allele frequency attached by ClinVar (database versions not stated): gnomAD exomes below 0.00001.
gnomAD v4.1: 6 of 1,613,670 alleles (0.00037%); highest among the groups gnomAD compares: Non-Finnish European, 0.00042%; no homozygotes.

Submission:

Labcorp Genetics (formerly Invitae), Labcorp
Classification: Uncertain significance. Last evaluated: 2021-03-08. Review status: criteria provided, single submitter. Criteria: Invitae Variant Classification Sherloc (09022015). Collection method: clinical testing. Allele origin: germline.
Comment: This variant is not present in population databases (ExAC no frequency). This sequence change replaces isoleucine with methionine at codon 3959 of the PCLO protein (p.Ile3959Met). The isoleucine residue is moderately conserved and there is a small physicochemical difference between isoleucine and methionine. This variant has not been reported in the literature in individuals with PCLO-related conditions. In summary, the available evidence is currently insufficient to determine the role of this variant in disease. Therefore, it has been classified as a Variant of Uncertain Significance. Algorithms developed to predict the effect of missense changes on protein structure and function are either unavailable or do not agree on the potential impact of this missense change (SIFT: "Tolerated"; PolyPhen-2: "Not Available"; Align-GVGD: "Class C0").

NM_033026.6(PCLO):c.11877A>G (p.Ile3959Met)

Gene: PCLO (piccolo presynaptic cytomatrix protein; minus strand). Cytogenetic location: 7q21.11.
Variant type: single nucleotide variant.
Coding change: c.11877A>G on transcript NM_033026.6 (MANE Select); coding-DNA position 11877, A replaced by G.
Protein change: p.Ile3959Met; replaces isoleucine 3959 with methionine.
Molecular consequence: missense variant.
Genome position (GRCh38, 1-based): chr7:82,916,109, T>C on the plus strand (A>G on the coding strand, the complement: PCLO is on the minus strand). VCF-style: chr7-82916109-T-C. GRCh37 (hg19) VCF-style: chr7-82545425-T-C.
Other names: c.11877A>G, p.Ile3959Met (NM_014510.3); short protein forms I3959M.
Identifiers: ClinVar variation 1377192 (VCV001377192.8), dbSNP rs1794454343, ClinGen allele CA367892702.